The following is an entry in ClinVar:

NM_201384.3(PLEC):c.10207C>T (p.Arg3403Trp)

Gene: PLEC (plectin; minus strand). Cytogenetic location: 8q24.3.
Variant type: single nucleotide variant.
Coding change: c.10207C>T on transcript NM_201384.3 (MANE Select); coding-DNA position 10207, C replaced by T.
Protein change: p.Arg3403Trp; replaces arginine 3403 with tryptophan.
Molecular consequence: missense variant.
Genome position (GRCh38, 1-based): chr8:143,919,614, G>A on the plus strand (C>T on the coding strand, the complement: PLEC is on the minus strand). VCF-style: chr8-143919614-G-A. GRCh37 (hg19) VCF-style: chr8-144993782-G-A.
Other names: c.10288C>T, p.Arg3430Trp (NM_000445.5); c.10165C>T, p.Arg3389Trp (NM_201378.4); c.10141C>T, p.Arg3381Trp (NM_201379.3); c.10618C>T, p.Arg3540Trp (NM_201380.4); c.10111C>T, p.Arg3371Trp (NM_201381.3); c.10207C>T, p.Arg3403Trp (NM_201382.4); c.10219C>T, p.Arg3407Trp (NM_201383.3); short protein forms R3371W, R3381W, R3389W, R3403W, R3407W, R3430W, R3540W.
Identifiers: ClinVar variation 196833 (VCV000196833.21), dbSNP rs542488020, ClinGen allele CA244397.

ClinVar aggregate classification (germline): Conflicting classifications of pathogenicity. Review status: criteria provided, conflicting classifications (1 of 4 stars). 6 submissions from 6 submitters: Uncertain significance (4); Likely benign (2). Last evaluated 2026-04-27.

Conditions:
Inborn genetic diseases. Identifiers: MedGen C0950123, MeSH D030342.
Epidermolysis bullosa simplex 5B, with muscular dystrophy (EBS5B). Also called: Epidermolysis bullosa simplex with muscular dystrophy; EPIDERMOLYSIS BULLOSA SIMPLEX AND LIMB-GIRDLE MUSCULAR DYSTROPHY. Identifiers: Orphanet 257, MedGen C2931072, MONDO:0009181, OMIM 226670.
Epidermolysis bullosa simplex, Ogna type (EBS5A). Also called: EPIDERMOLYSIS BULLOSA SIMPLEX 5A, OGNA TYPE; Pidermolysis bullosa simplex 5A, Ogna type. Identifiers: Orphanet 79401, MedGen C0432317, MONDO:0007555, OMIM 131950.
Autosomal recessive limb-girdle muscular dystrophy type 2Q (LGMDR17). Also called: MUSCULAR DYSTROPHY, LIMB-GIRDLE, AUTOSOMAL RECESSIVE 17. Identifiers: Orphanet 254361, MedGen C3150989, MONDO:0013390, OMIM 613723.
Epidermolysis bullosa simplex with nail dystrophy (EBS5D). Identifiers: MedGen C4225309, MONDO:0014661, OMIM 616487.
Epidermolysis bullosa simplex 5C, with pyloric atresia (EBS5C). Also called: PLEC-Related Epidermolysis Bullosa with Pyloric Atresia; Epidermolysis bullosa simplex with pyloric atresia; PLEC1-Related Epidermolysis Bullosa with Pyloric Atresia. Identifiers: Orphanet 158684, MedGen C2677349, MONDO:0012807, OMIM 612138.

Allele frequency attached by ClinVar (database versions not stated): gnomAD 0.00002 and 0.00005; TOPMed 0.00002; 1000 Genomes Project 30x 0.00016; gnomAD exomes 0.00019; 1000 Genomes Project 0.00020; ExAC 0.00022.
gnomAD v4.1: 166 of 1,586,000 alleles (0.01%); highest among the groups gnomAD compares: South Asian, 0.14%; 4 homozygotes.

Submissions (6):

Women's Health and Genetics/Laboratory Corporation of America, LabCorp
Classification: Uncertain significance. Last evaluated: 2026-04-27. Review status: criteria provided, single submitter. Criteria: LabCorp Variant Classification Summary - May 2015. Collection method: clinical testing. Allele origin: germline.
Comment: Variant summary: PLEC c.10288C>T (p.Arg3430Trp) results in a non-conservative amino acid change in the encoded protein sequence. Algorithms developed to predict the effect of missense changes on protein structure and function are either unavailable or do not agree on the potential impact of this missense change. The variant allele was found at a frequency of 0.00019 in 221328 control chromosomes in the gnomAD database, including 1 homozygotes. This frequency is not significantly higher than estimated for disease-causing variants in PLEC, allowing no conclusion about variant significance. To our knowledge, no occurrence of c.10288C>T in individuals affected with PLEC-related conditions and no experimental evidence demonstrating its impact on protein function have been reported. ClinVar contains an entry for this variant (Variation ID: 196833). Based on the evidence outlined above, the variant was classified as uncertain significance.

Labcorp Genetics (formerly Invitae), Labcorp
Classification: Likely benign for Autosomal recessive limb-girdle muscular dystrophy type 2Q; Epidermolysis bullosa simplex, Ogna type; Epidermolysis bullosa simplex with nail dystrophy; Epidermolysis bullosa simplex 5C, with pyloric atresia; Epidermolysis bullosa simplex 5B, with muscular dystrophy. Last evaluated: 2025-10-23. Review status: criteria provided, single submitter. Criteria: Invitae Variant Classification Sherloc (09022015). Collection method: clinical testing. Allele origin: germline.

Revvity Omics, Revvity
Classification: Likely benign. Last evaluated: 2023-09-25. Review status: criteria provided, single submitter. Criteria: ACMG Guidelines, 2015. Collection method: clinical testing. Allele origin: germline.

Ambry Genetics
Classification: Uncertain significance for Inborn genetic diseases. Last evaluated: 2023-06-06. Review status: criteria provided, single submitter. Criteria: Ambry Variant Classification Scheme 2023. Collection method: clinical testing. Allele origin: germline.

Athena Diagnostics
Classification: Uncertain significance. Last evaluated: 2021-12-27. Review status: criteria provided, single submitter. Criteria: Athena Diagnostics Criteria. Collection method: clinical testing. Allele origin: unknown.

Eurofins Ntd Llc (ga)
Classification: Uncertain significance. Last evaluated: 2017-11-06. Review status: criteria provided, single submitter. Criteria: EGL Classification Definitions 2015. Collection method: clinical testing. Allele origin: germline. Observed: 3 variant alleles, 3 heterozygotes.